The following is an entry in ClinVar:

NM_013266.4(CTNNA3):c.2158del (p.Arg720fs)

Gene: CTNNA3 (catenin alpha 3; minus strand). Cytogenetic location: 10q21.3.
Variant type: Deletion.
Coding change: c.2158del on transcript NM_013266.4 (MANE Select); coding-DNA position 2158, one base deleted (A; older notation c.2158delA).
Protein change: p.Arg720fs; shifts the reading frame from arginine 720.
Molecular consequence: frameshift variant.
Genome position (GRCh38, 1-based): chr10:66,069,309, T deleted on the plus strand (A on the coding strand, the reverse complement: CTNNA3 is on the minus strand). VCF-style (leftmost placement, unchanged base first): chr10-66069308-CT-C. GRCh37 (hg19) VCF-style: chr10-67829066-CT-C.
Other names: c.2158del, p.Arg720fs (NM_001127384.3); short protein forms R720fs.
Identifiers: ClinVar variation 3626958 (VCV003626958.2).

ClinVar aggregate classification (germline): Uncertain significance (1 of 4 stars; one submission).

Conditions:
Arrhythmogenic right ventricular dysplasia 13. Also called: ARRHYTHMOGENIC RIGHT VENTRICULAR CARDIOMYOPATHY 13; Arrhythmogenic right ventricular dysplasia, familial, 13. Identifiers: MedGen C3810138, MONDO:0000908, OMIM 615616.

Submission:

Labcorp Genetics (formerly Invitae), Labcorp
Classification: Uncertain significance for Arrhythmogenic right ventricular dysplasia 13. Last evaluated: 2025-01-27. Review status: criteria provided, single submitter. Criteria: Invitae Variant Classification Sherloc (09022015). Collection method: clinical testing. Allele origin: germline.
Comment: This sequence change creates a premature translational stop signal (p.Arg720Glyfs*6) in the CTNNA3 gene. It is expected to result in an absent or disrupted protein product. However, the current clinical and genetic evidence is not sufficient to establish whether loss-of-function variants in CTNNA3 cause disease. This variant is present in population databases (no rsID available, gnomAD 0.003%). This variant has not been reported in the literature in individuals affected with CTNNA3-related conditions. In summary, the available evidence is currently insufficient to determine the role of this variant in disease. Therefore, it has been classified as a Variant of Uncertain Significance.